The following is an entry in ClinVar:

ClinVar aggregate classification (germline): Conflicting classifications of pathogenicity. Review status: criteria provided, conflicting classifications (1 of 4 stars). 2 submissions from 2 submitters: Uncertain significance (1); Likely benign (1). Last evaluated 2025-10-13.

Conditions:
Cornelia de Lange syndrome 3 (CDLS3). Also called: SMC3-Related Cornelia de Lange Syndrome; CORNELIA DE LANGE SYNDROME 3 WITH OR WITHOUT MIDLINE BRAIN DEFECTS. Identifiers: Orphanet 199, MedGen C1853099, MONDO:0012555, OMIM 610759.
Inborn genetic diseases. Identifiers: MedGen C0950123, MeSH D030342.

Allele frequency attached by ClinVar (database versions not stated): ExAC 0.00001; ESP Exome Variant Server 0.00008.
gnomAD v4.1: 57 of 1,613,226 alleles (0.0035%); highest among the groups gnomAD compares: Non-Finnish European, 0.0047%; no homozygotes.

Submissions (2):

Labcorp Genetics (formerly Invitae), Labcorp
Classification: Uncertain significance for Cornelia de Lange syndrome 3. Last evaluated: 2025-10-13. Review status: criteria provided, single submitter. Criteria: Invitae Variant Classification Sherloc (09022015). Collection method: clinical testing. Allele origin: germline.
Comment: This sequence change replaces glutamic acid, which is acidic and polar, with aspartic acid, which is acidic and polar, at codon 208 of the SMC3 protein (p.Glu208Asp). This variant is present in population databases (rs367803262, gnomAD 0.006%). This variant has not been reported in the literature in individuals affected with SMC3-related conditions. ClinVar contains an entry for this variant (Variation ID: 2050772). Invitae Evidence Modeling of protein sequence and biophysical properties (such as structural, functional, and spatial information, amino acid conservation, physicochemical variation, residue mobility, and thermodynamic stability) has been performed for this missense variant. However, the output from this modeling did not meet the statistical confidence thresholds required to predict the impact of this variant on SMC3 protein function. In summary, the available evidence is currently insufficient to determine the role of this variant in disease. Therefore, it has been classified as a Variant of Uncertain Significance.

Ambry Genetics
Classification: Likely benign for Inborn genetic diseases. Last evaluated: 2025-08-28. Review status: criteria provided, single submitter. Criteria: Ambry Variant Classification Scheme 2023. Collection method: clinical testing. Allele origin: germline.

NM_005445.4(SMC3):c.624A>C (p.Glu208Asp)

Gene: SMC3 (structural maintenance of chromosomes 3; plus strand). Cytogenetic location: 10q25.2.
Variant type: single nucleotide variant.
Coding change: c.624A>C on transcript NM_005445.4 (MANE Select); coding-DNA position 624, A replaced by C.
Protein change: p.Glu208Asp; replaces glutamic acid 208 with aspartic acid.
Molecular consequence: missense variant.
Genome position (GRCh38, 1-based): chr10:110,581,999, A>C. VCF-style: chr10-110581999-A-C. GRCh37 (hg19) VCF-style: chr10-112341757-A-C.
Other names: short protein forms E208D.
Identifiers: ClinVar variation 2050772 (VCV002050772.5), dbSNP rs367803262, ClinGen allele CA5687786.